The following is an entry in ClinVar:

NM_002010.3(FGF9):c.*266G>A

Gene: FGF9 (fibroblast growth factor 9; plus strand). Cytogenetic location: 13q12.11.
Variant type: single nucleotide variant.
Coding change: c.*266G>A on transcript NM_002010.3 (MANE Select); 266 bases downstream of the stop codon, G replaced by A.
Molecular consequence: 3 prime UTR variant.
Genome position (GRCh38, 1-based): chr13:21,701,701, G>A. VCF-style: chr13-21701701-G-A. GRCh37 (hg19) VCF-style: chr13-22275840-G-A.
Identifiers: ClinVar variation 311431 (VCV000311431.5), dbSNP rs557670544, ClinGen allele CA10634008.

ClinVar aggregate classification (germline): Benign (1 of 4 stars; one submission).

Conditions:
Multiple synostoses syndrome 3 (SYNS3). Identifiers: Orphanet 3237, MedGen C2751826, MONDO:0013064, OMIM 612961.

Allele frequency attached by ClinVar (database versions not stated): gnomAD 0.00001 and 0.00003; gnomAD exomes 0.00001; 1000 Genomes Project 0.00140.
gnomAD v4.1: 7 of 446,294 alleles (0.0016%); highest among the groups gnomAD compares: African/African-American, 0.015%; no homozygotes.

Submission:

Illumina Laboratory Services, Illumina
Classification: Benign for Multiple synostoses syndrome 3. Last evaluated: 2018-01-13. Review status: criteria provided, single submitter. Criteria: ICSL Variant Classification Criteria 13 December 2019. Collection method: clinical testing. Allele origin: germline.
Comment: This variant was observed in the ICSL laboratory as part of a predisposition screen in an ostensibly healthy population. It had not been previously curated by ICSL or reported in the Human Gene Mutation Database (HGMD: prior to June 1st, 2018), and was therefore a candidate for classification through an automated scoring system. Utilizing variant allele frequency, disease prevalence and penetrance estimates, and inheritance mode, an automated score was calculated to assess if this variant is too frequent to cause the disease. Based on the score and internal cut-off values, a variant classified as benign is not then subjected to further curation. The score for this variant resulted in a classification of benign for this disease.